The following is an entry in ClinVar:

NM_002296.4(LBR):c.247C>G (p.Arg83Gly)

Gene: LBR (lamin B receptor; minus strand). Cytogenetic location: 1q42.12.
Variant type: single nucleotide variant.
Coding change: c.247C>G on transcript NM_002296.4 (MANE Select); coding-DNA position 247, C replaced by G.
Protein change: p.Arg83Gly; replaces arginine 83 with glycine.
Molecular consequence: missense variant.
Genome position (GRCh38, 1-based): chr1:225,422,196, G>C on the plus strand (C>G on the coding strand, the complement: LBR is on the minus strand). VCF-style: chr1-225422196-G-C. GRCh37 (hg19) VCF-style: chr1-225609898-G-C.
Other names: c.247C>G, p.Arg83Gly (NM_194442.3); short protein forms R83G.
Identifiers: ClinVar variation 3608823 (VCV003608823.2).

ClinVar aggregate classification (germline): Uncertain significance (1 of 4 stars; one submission).

gnomAD v4.1: 2 of 1,613,974 alleles (0.00012%); highest among the groups gnomAD compares: Admixed American, 0.0017%; no homozygotes.

Submission:

Labcorp Genetics (formerly Invitae), Labcorp
Classification: Uncertain significance. Last evaluated: 2025-06-09. Review status: criteria provided, single submitter. Criteria: Invitae Variant Classification Sherloc (09022015). Collection method: clinical testing. Allele origin: germline.
Comment: This sequence change replaces arginine, which is basic and polar, with glycine, which is neutral and non-polar, at codon 83 of the LBR protein (p.Arg83Gly). This variant is present in population databases (no rsID available, gnomAD 0.003%). This variant has not been reported in the literature in individuals affected with LBR-related conditions. ClinVar contains an entry for this variant (Variation ID: 3608823). Invitae Evidence Modeling of protein sequence and biophysical properties (such as structural, functional, and spatial information, amino acid conservation, physicochemical variation, residue mobility, and thermodynamic stability) indicates that this missense variant is expected to disrupt LBR protein function with a positive predictive value of 95%. In summary, the available evidence is currently insufficient to determine the role of this variant in disease. Therefore, it has been classified as a Variant of Uncertain Significance.